The following is an entry in ClinVar:

ClinVar aggregate classification (germline): Uncertain significance. Review status: criteria provided, multiple submitters, no conflicts (2 of 4 stars). 2 submissions from 2 submitters: Uncertain significance (2). Last evaluated 2025-12-08.

Conditions:
TNNI3K-related disorder. Also called: TNNI3K-related condition.

Allele frequency attached by ClinVar (database versions not stated): gnomAD 0.00001; gnomAD exomes 0.00002; TOPMed 0.00002.

Submissions (2):

Labcorp Genetics (formerly Invitae), Labcorp
Classification: Uncertain significance. Last evaluated: 2025-12-08. Review status: criteria provided, single submitter. Criteria: Invitae Variant Classification Sherloc (09022015). Collection method: clinical testing. Allele origin: germline.
Comment: This sequence change creates a premature translational stop signal (p.Lys323delinsLeuThr*) in the TNNI3K gene. It is expected to result in an absent or disrupted protein product. However, the current clinical and genetic evidence is not sufficient to establish whether loss-of-function variants in TNNI3K cause disease. This variant is not present in population databases (gnomAD no frequency). This variant has not been reported in the literature in individuals affected with TNNI3K-related conditions. ClinVar contains an entry for this variant (Variation ID: 1432941). Algorithms developed to predict the effect of sequence changes on RNA splicing suggest that this variant may disrupt the consensus splice site. In summary, the available evidence is currently insufficient to determine the role of this variant in disease. Therefore, it has been classified as a Variant of Uncertain Significance.

PreventionGenetics, part of Exact Sciences
Classification: Uncertain significance for TNNI3K-related condition. Last evaluated: 2025-04-08. Review status: criteria provided, single submitter. Criteria: ACMG Guidelines, 2015. Collection method: clinical testing. Allele origin: germline.
Comment: The TNNI3K c.956_966dup11 variant is predicted to result in a frameshift and premature protein termination (p.Lys323Leufs*3). This variant has been reported as a variant of uncertain significance in an individual with unexplained cardiac arrest (described as c.955_956insTTGACCTAGTC in Table S5, Grondin et al. 2022. PubMed ID: 35352813). This variant has not been reported in a large population database (gnomAD), indicating this variant is rare. Loss of function is not an established mechanism of TNNI3K-related disorders. At this time, the clinical significance of this variant is uncertain due to the absence of conclusive functional and genetic evidence.

NM_015978.3(TNNI3K):c.956_966dup (p.Lys323delinsLeuThrTer)

Genes: FPGT-TNNI3K (FPGT-TNNI3K readthrough; plus strand), TNNI3K (TNNI3 interacting kinase; plus strand). Cytogenetic location: 1p31.1.
Variant type: Duplication.
Coding change: c.956_966dup on transcript NM_015978.3 (MANE Select); coding-DNA positions 956 to 966, 11 bases duplicated (TTGACCTAGTC).
Protein change: p.Lys323delinsLeuThrTer.
Molecular consequence: nonsense.
Genome position (GRCh38, 1-based): chr1:74,353,289-74,353,299, TTGACCTAGTC duplicated. VCF-style (leftmost placement, unchanged base first): chr1-74353288-A-ATTGACCTAGTC. GRCh37 (hg19) VCF-style: chr1-74818972-A-ATTGACCTAGTC.
Other names: c.1259_1269dup, p.Lys424delinsLeuThrTer (NM_001112808.3, NM_001199327.2); c.956_966dup11 (NM_015978.2).
Identifiers: ClinVar variation 1432941 (VCV001432941.7), dbSNP rs1553135371, ClinGen allele CA418323674.